The following is an entry in ClinVar:

ClinVar aggregate classification (germline): Uncertain significance. Review status: criteria provided, multiple submitters, no conflicts (2 of 4 stars). 2 submissions from 2 submitters: Uncertain significance (2). Last evaluated 2025-07-13.

Conditions:
Arrhythmogenic cardiomyopathy with wooly hair and keratoderma. Also called: Dilated cardiomyopathy with woolly hair and keratoderma; Arrhythmogenic cardiomyopathy with woolly hair and keratoderma; Carvajal syndrome; PALMOPLANTAR KERATODERMA WITH LEFT VENTRICULAR CARDIOMYOPATHY AND WOOLLY HAIR. Identifiers: Orphanet 65282, MedGen C1854063, MONDO:0011581, OMIM 605676.
Arrhythmogenic right ventricular dysplasia 8 (ARVD8). Also called: ARRHYTHMOGENIC RIGHT VENTRICULAR DYSPLASIA, FAMILIAL, 8; ARRHYTHMOGENIC RIGHT VENTRICULAR CARDIOMYOPATHY 8; Arrhythmogenic Right Ventricular Dysplasia/Cardiomyopathy 8. Identifiers: MedGen C1843896, MONDO:0011831, OMIM 607450.

Submissions (2):

Labcorp Genetics (formerly Invitae), Labcorp
Classification: Uncertain significance for Arrhythmogenic cardiomyopathy with wooly hair and keratoderma; Arrhythmogenic right ventricular dysplasia 8. Last evaluated: 2025-07-13. Review status: criteria provided, single submitter. Criteria: Invitae Variant Classification Sherloc (09022015). Collection method: clinical testing. Allele origin: germline.
Comment: This sequence change replaces histidine, which is basic and polar, with arginine, which is basic and polar, at codon 371 of the DSP protein (p.His371Arg). This variant is not present in population databases (gnomAD no frequency). This missense change has been observed in individual(s) with clinical features of DSP-related conditions (internal data). ClinVar contains an entry for this variant (Variation ID: 579523). An algorithm developed to predict the effect of missense changes on protein structure and function (PolyPhen-2) suggests that this variant is likely to be disruptive. In summary, the available evidence is currently insufficient to determine the role of this variant in disease. Therefore, it has been classified as a Variant of Uncertain Significance.

All of Us Research Program, National Institutes of Health
Classification: Uncertain significance for Arrhythmogenic cardiomyopathy with wooly hair and keratoderma. Last evaluated: 2023-05-04. Review status: criteria provided, single submitter. Criteria: ACMG Guidelines, 2015. Collection method: clinical testing. Allele origin: germline. Inheritance: Autosomal dominant inheritance. Observed: 1 variant allele, 1 heterozygote.
Comment: This missense variant replaces histidine with arginine at codon 371 of the DSP protein. Computational prediction suggests that this variant may have deleterious impact on protein structure and function (internally defined REVEL score threshold >= 0.7, PMID: 27666373). To our knowledge, functional studies have not been reported for this variant. This variant has not been reported in individuals affected with DSP-related disorders in the literature. This variant has not been identified in the general population by the Genome Aggregation Database (gnomAD). The available evidence is insufficient to determine the role of this variant in disease conclusively. Therefore, this variant is classified as a Variant of Uncertain Significance.

This study involves interpretation of variants in research participants for the purpose of population health screening. Participant phenotype was not available at the time of variant classification. Additional details can be found in publication PMID: 35346344, PMCID: PMC8962531

NM_004415.4(DSP):c.1112A>G (p.His371Arg)

Gene: DSP (desmoplakin; plus strand). Cytogenetic location: 6p24.3.
Variant type: single nucleotide variant.
Coding change: c.1112A>G on transcript NM_004415.4 (MANE Select); coding-DNA position 1112, A replaced by G.
Protein change: p.His371Arg; replaces histidine 371 with arginine.
Molecular consequence: missense variant.
Genome position (GRCh38, 1-based): chr6:7,567,421, A>G. VCF-style: chr6-7567421-A-G. GRCh37 (hg19) VCF-style: chr6-7567654-A-G.
Other names: c.1112A>G (LRG_423t1); c.1112A>G, p.His371Arg (NM_001008844.3, NM_001319034.2); short protein forms H371R.
Identifiers: ClinVar variation 579523 (VCV000579523.12), dbSNP rs397516912, ClinGen allele CA362675718.